The following is an entry in ClinVar:

NM_001365276.2(TNXB):c.3514C>A (p.Pro1172Thr)

Gene: TNXB (tenascin XB; minus strand). Cytogenetic location: 6p21.33.
Variant type: single nucleotide variant.
Coding change: c.3514C>A on transcript NM_001365276.2 (MANE Select); coding-DNA position 3514, C replaced by A.
Protein change: p.Pro1172Thr; replaces proline 1172 with threonine.
Molecular consequence: missense variant.
Genome position (GRCh38, 1-based): chr6:32,082,258, G>T on the plus strand (C>A on the coding strand, the complement: TNXB is on the minus strand). VCF-style: chr6-32082258-G-T. GRCh37 (hg19) VCF-style: chr6-32050035-G-T.
Other names: c.3514C>A, p.Pro1172Thr (NM_019105.8); c.4255C>A, p.Pro1419Thr (NM_001428335.1); short protein forms P1172T, P1419T.
Identifiers: ClinVar variation 3459716 (VCV003459716.2).

ClinVar aggregate classification (germline): Uncertain significance. Review status: criteria provided, multiple submitters, no conflicts (2 of 4 stars). 2 submissions from 2 submitters: Uncertain significance (2). Last evaluated 2025-08-13.

Conditions:
Cardiovascular phenotype. Identifiers: MedGen CN230736.

gnomAD v4.1: 7 of 1,607,476 alleles (0.00044%); highest among the groups gnomAD compares: Non-Finnish European, 0.00059%; no homozygotes.

Submissions (2):

GeneDx
Classification: Uncertain significance. Last evaluated: 2025-08-13. Review status: criteria provided, single submitter. Criteria: GeneDx Variant Classification Process June 2021. Collection method: clinical testing. Allele origin: germline. Affected: yes.
Comment: Not observed at significant frequency in large population cohorts (gnomAD); In silico analysis supports that this missense variant has a deleterious effect on protein structure/function; Has not been previously published as pathogenic or benign to our knowledge

Ambry Genetics
Classification: Uncertain significance for Cardiovascular phenotype. Last evaluated: 2024-12-07. Review status: criteria provided, single submitter. Criteria: Ambry Variant Classification Scheme 2023. Collection method: clinical testing. Allele origin: germline.
Comment: The p.P1172T variant (also known as c.3514C>A), located in coding exon 8 of the TNXB gene, results from a C to A substitution at nucleotide position 3514. The proline at codon 1172 is replaced by threonine, an amino acid with highly similar properties. This amino acid position is conserved. In addition, this alteration is predicted to be tolerated by in silico analysis. Based on the available evidence, the clinical significance of this variant remains unclear.